The following is an entry in ClinVar:

NM_001371279.1(REEP1):c.475A>G (p.Ile159Val)

Gene: REEP1 (receptor accessory protein 1; minus strand). Cytogenetic location: 2p11.2.
Variant type: single nucleotide variant.
Coding change: c.475A>G on transcript NM_001371279.1 (MANE Select); coding-DNA position 475, A replaced by G.
Protein change: p.Ile159Val; replaces isoleucine 159 with valine.
Molecular consequence: missense variant. On other transcripts: synonymous variant (1), intron variant (1).
Genome position (GRCh38, 1-based): chr2:86,232,745, T>C on the plus strand (A>G on the coding strand, the complement: REEP1 is on the minus strand). VCF-style: chr2-86232745-T-C. GRCh37 (hg19) VCF-style: chr2-86459868-T-C.
Other names: c.496A>G, p.Ile166Val (NM_001164730.2); c.394A>G, p.Ile132Val (NM_001164731.2); c.240A>G, p.Pro80= (NM_001164732.2); c.475A>G, p.Ile159Val (NM_001410855.1, NM_001410856.1, NM_022912.3); c.418-15635A>G (NM_001371280.1); short protein forms I132V, I159V, I166V.
Identifiers: ClinVar variation 1723545 (VCV001723545.7), dbSNP rs1675100648, ClinGen allele CA347547404.

ClinVar aggregate classification (germline): Uncertain significance. Review status: criteria provided, multiple submitters, no conflicts (2 of 4 stars). 2 submissions from 2 submitters: Uncertain significance (2). Last evaluated 2022-05-09.

Conditions:
Hereditary spastic paraplegia 31. Also called: SPASTIC PARAPLEGIA 31, AUTOSOMAL DOMINANT. Identifiers: Orphanet 101011, MedGen C1853247, MONDO:0012453, OMIM 610250.

Allele frequency attached by ClinVar (database versions not stated): gnomAD exomes below 0.00001.
gnomAD v4.1: 2 of 1,607,478 alleles (0.00012%); highest among the groups gnomAD compares: Non-Finnish European, 0.00017%; no homozygotes.

Submissions (2):

GeneDx
Classification: Uncertain significance. Last evaluated: 2022-05-09. Review status: criteria provided, single submitter. Criteria: GeneDx Variant Classification Process June 2021. Collection method: clinical testing. Allele origin: germline. Affected: yes.
Comment: Not observed at significant frequency in large population cohorts (gnomAD); In silico analysis supports that this missense variant does not alter protein structure/function; Has not been previously published as pathogenic or benign to our knowledge

Labcorp Genetics (formerly Invitae), Labcorp
Classification: Uncertain significance for Hereditary spastic paraplegia 31. Last evaluated: 2022-04-08. Review status: criteria provided, single submitter. Criteria: Invitae Variant Classification Sherloc (09022015). Collection method: clinical testing. Allele origin: germline.
Comment: In summary, the available evidence is currently insufficient to determine the role of this variant in disease. Therefore, it has been classified as a Variant of Uncertain Significance. Algorithms developed to predict the effect of missense changes on protein structure and function (SIFT, PolyPhen-2, Align-GVGD) all suggest that this variant is likely to be tolerated. This variant has not been reported in the literature in individuals affected with REEP1-related conditions. This variant is not present in population databases (gnomAD no frequency). This sequence change replaces isoleucine, which is neutral and non-polar, with valine, which is neutral and non-polar, at codon 159 of the REEP1 protein (p.Ile159Val).